The following is an entry in ClinVar:

ClinVar aggregate classification (germline): Pathogenic/Likely pathogenic. Review status: criteria provided, multiple submitters, no conflicts (2 of 4 stars). 8 submissions from 8 submitters: Pathogenic (5); Likely pathogenic (3). Last evaluated 2025-07-01.
ClinVar aggregate classification (somatic clinical impact): Tier I - Strong (1 of 4 stars; one submission).

Conditions:
Intellectual disability, X-linked 102 (MRXSSB). Also called: Intellectual developmental disorder, X-linked syndromic, Snijders Blok type. Identifiers: Orphanet 457260, MedGen C5393299, MONDO:0010497, OMIM 300958.
Medulloblastoma (MDB). Also called: Medulloblastoma, somatic; MEDULLOBLASTOMA PREDISPOSITION SYNDROME. Identifiers: Orphanet 616, MedGen C0025149, MeSH D008527, MONDO:0007959, OMIM 155255, HP:0002885.

Submissions (9):

CeGaT Center for Human Genetics Tuebingen
Classification: Pathogenic. Last evaluated: 2025-07-01. Review status: criteria provided, single submitter. Criteria: CeGaT Center For Human Genetics Tuebingen Variant Classification Criteria Version 2. Collection method: clinical testing. Allele origin: germline. Affected: yes. Observed: 1 variant allele.
Comment: DDX3X: PS2, PM2, PM5, PP2, PP3

New York Genome Center
Classification: Pathogenic for Intellectual disability, X-linked 102. Last evaluated: 2024-09-06. Review status: criteria provided, single submitter. Criteria: NYGC Assertion Criteria 2020. Collection method: clinical testing. Allele origin: de novo. Affected: yes. Observed: 1 variant allele, 1 heterozygote.
Comment: The c.1600C>T variant in DDX3X has previously been reported de novo in four unrelated females with DDX3X-related Intellectual developmental disorder (PMID:28991257, 30349862, 37904618) and submitted in ClinVar (ID: 522795) as pathogenic/likely pathogenic with affected status provided. The c.1600C>T variant is absent from population databases (gnomAD v4.1.0, TOPMed Freeze 8, All of Us), suggesting it is not a common benign variant in the populations represented in those databases. The c.1600C>T variant in DDX3X is located in exon 14 of this 17-exon gene, and predicted to replace a highly conserved arginine amino acidwith cysteine at position 534 (p.(Arg534Cys)) within the helicase C-terminal domain of the encoded protein (UniProt ID: O00571). In silico predictions are strongly in favor of damaging effect for the p.(Arg534Cys) variant [REVEL=0.982]; however, there are no functional studies to support or refute these predictions. Another missense variant affecting the same residue (c.1601G>A; p.(Arg534His)) has also been reported in multiple individuals with DDX3X-related Intellectual developmental disorder (PMID: 26235985, 32596782). Based on available evidence this apparently de novo heterozygous c.1600C>T p.(Arg534Cys) variant identified in DDX3X is classified as Pathogenic.

Daryl Scott Lab, Baylor College of Medicine
Classification: Likely pathogenic for Intellectual disability, X-linked 102. Last evaluated: 2024-01-01. Review status: criteria provided, single submitter. Criteria: ACMG Guidelines, 2015. Collection method: clinical testing. Allele origin: de novo. Affected: yes. Observed: 1 heterozygote.
Comment: PS2, PM2, PP3

Institute for Genomic Medicine (IGM) Clinical Laboratory, Nationwide Children's Hospital
Classification: Tier I - Strong for Medulloblastoma. Assertion type: diagnostic. Clinical significance: supports diagnosis. Last evaluated: 2022-10-13. Review status: criteria provided, single submitter. Criteria: AMP/ASCO/CAP Guidelines, 2017. Collection method: clinical testing. Allele origin: somatic. Affected: yes.
Comment: Variant has Tier I (strong) clinical significance as a diagnostic inclusion criterion in medulloblastoma, based on the following evidence: 1) Documented in one or more cancer databases (e.g., St. Jude Pecan, COSMIC, CIViC, OncoKB). 2) Appears in one or more well-established professional guidelines (e.g., World Health Organization [WHO]; National Comprehensive Cancer Network [NCCN]) as providing diagnostic, prognostic, or therapeutic information. 3) Information in the literature supports potential biologic effect of variant (PMIDs: 26598523, 33627125). 4) Diagnostic for a specific tumor type/classification based on well-powered studies with expert-level consensus (Evidence Level B; PMIDs: 22832583, 22722829, 28726821, 22820256).

Victorian Clinical Genetics Services, Murdoch Childrens Research Institute
Classification: Pathogenic for Intellectual disability, X-linked 102. Last evaluated: 2022-06-24. Review status: criteria provided, single submitter. Criteria: ACMG Guidelines, 2015. Collection method: clinical testing. Allele origin: germline. Inheritance: X-linked inheritance. Affected: yes.
Comment: Based on the classification scheme VCGS_Germline_v1.3.4, this variant is classified as Pathogenic. Following criteria are met: 0102 - Loss of function is a known mechanism of disease in this gene and is associated with X-linked intellectual developmental disorder Snijders Blok type syndrome (MIM#300958). (I) 0110 - This gene is associated with X-linked dominant disease. (I) 0200 - Variant is predicted to result in a missense amino acid change from arginine to cysteine. (I) 0251 - This variant is heterozygous. (I) 0301 - Variant is absent from gnomAD (both v2 and v3). (SP) 0501 - Missense variant consistently predicted to be damaging by multiple in silico tools or highly conserved with a major amino acid change. (SP) 0603 - Missense variant in a region that is highly intolerant to missense variation (high constraint region in DECIPHER). (SP) 0801 - This variant has strong previous evidence of pathogenicity in unrelated individuals. This variant has been reported as de novo in two female individuals with developmental delay (ClinVar, PMID: 30349862, PMID: 32714884). (SP) Legend: (SP) - Supporting pathogenic, (I) - Information, (SB) - Supporting benign

Labcorp Genetics (formerly Invitae), Labcorp
Classification: Pathogenic. Last evaluated: 2022-06-22. Review status: criteria provided, single submitter. Criteria: Invitae Variant Classification Sherloc (09022015). Collection method: clinical testing. Allele origin: germline.
Comment: For these reasons, this variant has been classified as Pathogenic. Algorithms developed to predict the effect of missense changes on protein structure and function are either unavailable or do not agree on the potential impact of this missense change (SIFT: "Deleterious"; PolyPhen-2: "Not Available"; Align-GVGD: "Class C65"). ClinVar contains an entry for this variant (Variation ID: 522795). This missense change has been observed in individual(s) with clinical features of DDX3X-related conditions (PMID: 30349862). In at least one individual the variant was observed to be de novo. This variant is not present in population databases (gnomAD no frequency). This sequence change replaces arginine, which is basic and polar, with cysteine, which is neutral and slightly polar, at codon 534 of the DDX3X protein (p.Arg534Cys).

Fulgent Genetics
Classification: Likely pathogenic for Intellectual disability, X-linked 102. Last evaluated: 2018-10-31. Review status: criteria provided, single submitter. Criteria: ACMG Guidelines, 2015. Collection method: clinical testing. Allele origin: unknown.

Baylor Genetics
Classification: Pathogenic for Intellectual disability, X-linked 102. Last evaluated: 2018-02-26. Review status: criteria provided, single submitter. Criteria: ACMG Guidelines, 2015. Collection method: clinical testing. Allele origin: de novo. Affected: yes.
Comment: This variant was determined to be pathogenic according to ACMG Guidelines, 2015 [PMID:25741868]. Additionally, an allelic variant p.R534H has been reported in a patient with intellectual disability [PMID: 26235985]

Undiagnosed Diseases Network, NIH
Classification: Likely pathogenic for Intellectual disability, X-linked 102. Last evaluated: 2016-09-22. Review status: criteria provided, single submitter. Criteria: ACMG Guidelines, 2015. Collection method: clinical testing. Allele origin: de novo. Inheritance: X-linked inheritance. Affected: yes. Observed: 1 variant allele, 1 heterozygote. Study: Undiagnosed Diseases Network (NIH), UDN.
Comment: Additionally, an allelic variant p.R534H has been reported in a patient with intellectual disability (PMID: 26235985).

Literature cited by the submitters: PubMed 28991257 (cited by New York Genome Center); PubMed 30349862 (cited by 3 submitters); PubMed 37904618 (cited by New York Genome Center); PubMed 26598523 (cited by Institute for Genomic Medicine (IGM) Clinical Laboratory, Nationwide Children's Hospital); PubMed 33627125 (cited by Institute for Genomic Medicine (IGM) Clinical Laboratory, Nationwide Children's Hospital); PubMed 22832583 (cited by Institute for Genomic Medicine (IGM) Clinical Laboratory, Nationwide Children's Hospital); PubMed 22722829 (cited by Institute for Genomic Medicine (IGM) Clinical Laboratory, Nationwide Children's Hospital); PubMed 28726821 (cited by Institute for Genomic Medicine (IGM) Clinical Laboratory, Nationwide Children's Hospital); PubMed 22820256 (cited by Institute for Genomic Medicine (IGM) Clinical Laboratory, Nationwide Children's Hospital); PubMed 32714884 (cited by Victorian Clinical Genetics Services, Murdoch Childrens Research Institute); PubMed 26235985 (cited by Baylor Genetics).

NM_001356.5(DDX3X):c.1600C>T (p.Arg534Cys)

Gene: DDX3X (DEAD-box helicase 3 X-linked; plus strand). Cytogenetic location: Xp11.4.
Variant type: single nucleotide variant.
Coding change: c.1600C>T on transcript NM_001356.5 (MANE Select); coding-DNA position 1600, C replaced by T.
Protein change: p.Arg534Cys; replaces arginine 534 with cysteine.
Molecular consequence: missense variant. On other transcripts: non-coding transcript variant (1).
Genome position (GRCh38, 1-based): chrX:41,346,607, C>T. VCF-style: chrX-41346607-C-T. GRCh37 (hg19) VCF-style: chrX-41205860-C-T.
Other names: c.1600C>T, p.Arg534Cys (NM_001193416.3); c.1552C>T, p.Arg518Cys (NM_001193417.3); c.1042C>T, p.Arg348Cys (NM_001363819.1); c.1600C>T (NM_001356.4); short protein forms R534C, R348C, R518C.
Identifiers: ClinVar variation 522795 (VCV000522795.24), dbSNP rs1555954284, ClinGen allele CA412776975.